The following is an entry in ClinVar:

NM_001365536.1(SCN9A):c.*1660G>A

Genes: SCN1A-AS1 (SCN1A and SCN9A antisense RNA 1; plus strand), SCN9A (sodium voltage-gated channel alpha subunit 9; minus strand). Cytogenetic location: 2q24.3.
Variant type: single nucleotide variant.
Coding change: c.*1660G>A on transcript NM_001365536.1 (MANE Select); 1660 bases downstream of the stop codon, G replaced by A.
Molecular consequence: 3 prime UTR variant.
Genome position (GRCh38, 1-based): chr2:166,197,012, C>T on the plus strand (G>A on the coding strand, the complement: SCN9A is on the minus strand). VCF-style: chr2-166197012-C-T. GRCh37 (hg19) VCF-style: chr2-167053522-C-T.
Other names: c.*1660G>A (NM_002977.4).
Identifiers: ClinVar variation 331928 (VCV000331928.6), dbSNP rs16851753, ClinGen allele CA10611604.

ClinVar aggregate classification (germline): Benign. Review status: criteria provided, single submitter (1 of 4 stars). 3 submissions from 1 submitter: Benign (3). Last evaluated 2018-01-13.

Conditions:
Primary erythromelalgia. Also called: SCN9A Erythromelalgia (SCN9A-EM); primary erythermalgia. Identifiers: Orphanet 306577, Orphanet 90026, MedGen C0014805, MONDO:0007571, OMIM 133020.
Paroxysmal extreme pain disorder (PEXPD). Also called: PAIN, SUBMANDIBULAR, OCULAR, AND RECTAL, WITH FLUSHING; RECTAL PAIN, FAMILIAL; SCN9A Paroxysmal Extreme Pain Disorder (SCN9A-PEPD). Identifiers: Orphanet 46348, MedGen C1833661, MONDO:0008179, OMIM 167400.
Channelopathy-associated congenital insensitivity to pain, autosomal recessive. Also called: Insensitivity to pain, channelopathy-associated; ASYMBOLIA FOR PAIN; CONGENITAL ANALGESIA, AUTOSOMAL RECESSIVE. Identifiers: Orphanet 88642, Orphanet 970, MedGen C1855739, MONDO:0009459, OMIM 243000.

Allele frequency attached by ClinVar (database versions not stated): TOPMed 0.04590; 1000 Genomes Project 0.06569; 1000 Genomes Project 30x 0.06777.

Submissions (3):

Illumina Laboratory Services, Illumina
Classification: Benign for Channelopathy-associated congenital insensitivity to pain, autosomal recessive. Last evaluated: 2018-01-13. Review status: criteria provided, single submitter. Criteria: ICSL Variant Classification Criteria 13 December 2019. Collection method: clinical testing. Allele origin: germline.
Comment: This variant was observed in the ICSL laboratory as part of a predisposition screen in an ostensibly healthy population. It had not been previously curated by ICSL or reported in the Human Gene Mutation Database (HGMD: prior to June 1st, 2018), and was therefore a candidate for classification through an automated scoring system. Utilizing variant allele frequency, disease prevalence and penetrance estimates, and inheritance mode, an automated score was calculated to assess if this variant is too frequent to cause the disease. Based on the score and internal cut-off values, a variant classified as benign is not then subjected to further curation. The score for this variant resulted in a classification of benign for this disease.

Illumina Laboratory Services, Illumina
Classification: Benign for Paroxysmal extreme pain disorder. Last evaluated: 2018-01-13. Review status: criteria provided, single submitter. Criteria: ICSL Variant Classification Criteria 13 December 2019. Collection method: clinical testing. Allele origin: germline.
Comment: the same text as in the submission from Illumina Laboratory Services, Illumina above.

Illumina Laboratory Services, Illumina
Classification: Benign for Primary erythromelalgia. Last evaluated: 2018-01-13. Review status: criteria provided, single submitter. Criteria: ICSL Variant Classification Criteria 13 December 2019. Collection method: clinical testing. Allele origin: germline.
Comment: the same text as in the submission from Illumina Laboratory Services, Illumina above.